The following is an entry in ClinVar:

NM_001286611.2(REPS1):c.1166A>G (p.Tyr389Cys)

Gene: REPS1 (RALBP1 associated Eps domain containing 1; minus strand). Cytogenetic location: 6q24.1.
Variant type: single nucleotide variant.
Coding change: c.1166A>G on transcript NM_001286611.2 (MANE Select); coding-DNA position 1166, A replaced by G.
Protein change: p.Tyr389Cys; replaces tyrosine 389 with cysteine.
Molecular consequence: missense variant.
Genome position (GRCh38, 1-based): chr6:138,930,068, T>C on the plus strand (A>G on the coding strand, the complement: REPS1 is on the minus strand). VCF-style: chr6-138930068-T-C. GRCh37 (hg19) VCF-style: chr6-139251205-T-C.
Other names: c.1166A>G, p.Tyr389Cys (NM_001128617.3, NM_001286612.2, NM_031922.5); c.1166A>G (NM_031922.3); short protein forms Y389C.
Identifiers: ClinVar variation 2920297 (VCV002920297.4), dbSNP rs140190492, ClinGen allele CA4024257.

ClinVar aggregate classification (germline): Uncertain significance. Review status: criteria provided, multiple submitters, no conflicts (2 of 4 stars). 2 submissions from 2 submitters: Uncertain significance (2). Last evaluated 2023-10-13.

Allele frequency attached by ClinVar (database versions not stated): gnomAD 0.00003; TOPMed 0.00003; gnomAD exomes 0.00004; ExAC 0.00006; ESP Exome Variant Server 0.00008; 1000 Genomes Project 30x 0.00016; 1000 Genomes Project 0.00020.
gnomAD v4.1: 70 of 1,613,526 alleles (0.0043%); highest among the groups gnomAD compares: South Asian, 0.0066%; no homozygotes.

Submissions (2):

Ambry Genetics
Classification: Uncertain significance. Last evaluated: 2023-10-13. Review status: criteria provided, single submitter. Criteria: Ambry Variant Classification Scheme 2023. Collection method: clinical testing. Allele origin: germline.

Labcorp Genetics (formerly Invitae), Labcorp
Classification: Uncertain significance. Last evaluated: 2023-08-08. Review status: criteria provided, single submitter. Criteria: Invitae Variant Classification Sherloc (09022015). Collection method: clinical testing. Allele origin: germline.
Comment: Advanced modeling of protein sequence and biophysical properties (such as structural, functional, and spatial information, amino acid conservation, physicochemical variation, residue mobility, and thermodynamic stability) performed at Invitae indicates that this missense variant is not expected to disrupt REPS1 protein function. This sequence change replaces tyrosine, which is neutral and polar, with cysteine, which is neutral and slightly polar, at codon 389 of the REPS1 protein (p.Tyr389Cys). This variant is present in population databases (rs140190492, gnomAD 0.006%). This variant has not been reported in the literature in individuals affected with REPS1-related conditions. In summary, the available evidence is currently insufficient to determine the role of this variant in disease. Therefore, it has been classified as a Variant of Uncertain Significance.